The following is an entry in ClinVar:

NM_005068.3(SIM1):c.1188A>G (p.Glu396=)

Genes: SIM1 (SIM bHLH transcription factor 1; minus strand), SIM1-AS1 (SIM1 antisense RNA 1; plus strand). Cytogenetic location: 6q16.3.
Variant type: single nucleotide variant.
Coding change: c.1188A>G on transcript NM_005068.3 (MANE Select); coding-DNA position 1188, A replaced by G.
Protein change: p.Glu396=; no amino-acid change (glutamic acid 396 retained).
Molecular consequence: synonymous variant. On other transcripts: non-coding transcript variant (1).
Genome position (GRCh38, 1-based): chr6:100,393,869, T>C on the plus strand (A>G on the coding strand, the complement: SIM1 is on the minus strand). VCF-style: chr6-100393869-T-C. GRCh37 (hg19) VCF-style: chr6-100841745-T-C.
Other names: c.1188A>G, p.Glu396= (NM_001374769.1).
Identifiers: ClinVar variation 3039955 (VCV003039955.19), dbSNP rs149770773, ClinGen allele CA3937086.
Genomic context (GRCh38, chr6:100,393,869, plus strand): 5'-AGAGGCCGTGTCGGTCAAGGGACTTCCGCCCCACTGGCTGTCATGATCAGATTCCGATCT[T>C]TCTGTGTGAAATCCCGAATACTGAAACCGAGTAGGGGAGAAAAGTCCATTTCAAAAATCA-3'
Protein context (NP_005059.2, residues 386-406): PYPQYSGFHT[Glu396=]RSESDHDSQW

ClinVar aggregate classification (germline): Likely benign. Review status: criteria provided, multiple submitters, no conflicts (2 of 4 stars). 3 submissions from 3 submitters: Likely benign (2). 1 of the submissions does not count toward it. Last evaluated 2025-02-20.

Conditions:
SIM1-related disorder. Also called: SIM1-related condition; SIM1-related disorders.

Allele frequency attached by ClinVar (database versions not stated): ExAC 0.00002; gnomAD 0.00002; TOPMed 0.00002; gnomAD exomes 0.00014; ESP Exome Variant Server 0.00015.
gnomAD v4.1: 197 of 1,565,664 alleles (0.013%); highest among the groups gnomAD compares: Non-Finnish European, 0.016%; no homozygotes.

Submissions (3):

Labcorp Genetics (formerly Invitae), Labcorp
Classification: Likely benign. Last evaluated: 2025-02-20. Review status: criteria provided, single submitter. Criteria: Invitae Variant Classification Sherloc (09022015). Collection method: clinical testing. Allele origin: germline.

CeGaT Center for Human Genetics Tuebingen
Classification: Likely benign. Last evaluated: 2024-07-01. Review status: criteria provided, single submitter. Criteria: CeGaT Center For Human Genetics Tuebingen Variant Classification Criteria Version 2. Collection method: clinical testing. Allele origin: germline. Affected: yes. Observed: 1 variant allele.
Comment: SIM1: BP4, BP7

PreventionGenetics, part of Exact Sciences
Classification: Likely benign for SIM1-related condition. Last evaluated: 2020-03-30. Review status: no assertion criteria provided. Collection method: clinical testing. Allele origin: germline. Not counted in ClinVar's aggregate classification.
Comment: This variant is classified as likely benign based on ACMG/AMP sequence variant interpretation guidelines (Richards et al. 2015 PMID: 25741868, with internal and published modifications).